The following is an entry in ClinVar:

ClinVar aggregate classification (germline): Pathogenic (1 of 4 stars; one submission).

Conditions:
Hereditary nonpolyposis colorectal neoplasms. Identifiers: MedGen C0009405, MeSH D003123.

Submission:

Labcorp Genetics (formerly Invitae), Labcorp
Classification: Pathogenic for Hereditary nonpolyposis colorectal neoplasms. Last evaluated: 2018-01-17. Review status: criteria provided, single submitter. Criteria: Invitae Variant Classification Sherloc (09022015). Collection method: clinical testing. Allele origin: germline.
Comment: Loss-of-function variants in MSH6 are known to be pathogenic (PMID: 18269114, 24362816). For these reasons, this variant has been classified as Pathogenic. This variant has not been reported in the literature in individuals with MSH6-related disease. This variant is not present in population databases (ExAC no frequency). This sequence change creates a premature translational stop signal (p.Val1271*) in the MSH6 gene. It is expected to result in an absent or disrupted protein product.

Literature cited by the submitters: PubMed 18269114; PubMed 24362816.

NM_000179.3(MSH6):c.3811_3824del (p.Met1270_Val1271insTer)

Gene: MSH6 (mutS homolog 6; plus strand). Cytogenetic location: 2p16.3.
Variant type: Deletion.
Coding change: c.3811_3824del on transcript NM_000179.3 (MANE Select); coding-DNA positions 3811 to 3824, 14 bases deleted (GTAGAAAATGAATG).
Protein change: p.Met1270_Val1271insTer.
Molecular consequence: nonsense.
Genome position (GRCh38, 1-based): chr2:47,806,461-47,806,474, GTAGAAAATGAATG deleted; deleting any 14 consecutive bases within chr2:47,806,458-47,806,474 gives the same sequence; the c. name uses the placement nearest the transcript's 3' end. VCF-style (leftmost placement, unchanged base first): chr2-47806457-CATGGTAGAAAATGA-C. GRCh37 (hg19) VCF-style: chr2-48033596-CATGGTAGAAAATGA-C.
Other names: c.3811_3824delGTAGAAAATGAATG (NM_000179.2); c.3421_3434del, p.Met1140_Val1141insTer (NM_001281492.2); c.2905_2918del, p.Met968_Val969insTer (NM_001281493.2, NM_001281494.2).
Identifiers: ClinVar variation 567592 (VCV000567592.7), dbSNP rs1558393006, ClinGen allele CA891843280.